The following is an entry in ClinVar:

NM_000553.6(WRN):c.1096A>G (p.Lys366Glu)

Gene: WRN (WRN RecQ like helicase; plus strand). Cytogenetic location: 8p12.
Variant type: single nucleotide variant.
Coding change: c.1096A>G on transcript NM_000553.6 (MANE Select); coding-DNA position 1096, A replaced by G.
Protein change: p.Lys366Glu; replaces lysine 366 with glutamic acid.
Molecular consequence: missense variant.
Genome position (GRCh38, 1-based): chr8:31,081,123, A>G. VCF-style: chr8-31081123-A-G. GRCh37 (hg19) VCF-style: chr8-30938639-A-G.
Other names: c.1096A>G (NM_000553.4); short protein forms K366E.
Identifiers: ClinVar variation 1525631 (VCV001525631.6), dbSNP rs2130119772, ClinGen allele CA370920694.

ClinVar aggregate classification (germline): Conflicting classifications of pathogenicity. Review status: criteria provided, conflicting classifications (1 of 4 stars). 2 submissions from 2 submitters: Uncertain significance (1); Likely benign (1). Last evaluated 2023-03-27.

Conditions:
Inborn genetic diseases. Identifiers: MedGen C0950123, MeSH D030342.
Werner syndrome (WRN). Identifiers: Orphanet 902, MedGen C0043119, MONDO:0010196, OMIM 277700.

Allele frequency attached by ClinVar (database versions not stated): gnomAD exomes below 0.00001.
gnomAD v4.1: 6 of 1,614,100 alleles (0.00037%); highest among the groups gnomAD compares: Non-Finnish European, 0.00051%; no homozygotes.

Submissions (2):

Ambry Genetics
Classification: Likely benign for Inborn genetic diseases. Last evaluated: 2023-03-27. Review status: criteria provided, single submitter. Criteria: Ambry Variant Classification Scheme 2023. Collection method: clinical testing. Allele origin: germline.

Labcorp Genetics (formerly Invitae), Labcorp
Classification: Uncertain significance for Werner syndrome. Last evaluated: 2022-09-07. Review status: criteria provided, single submitter. Criteria: Invitae Variant Classification Sherloc (09022015). Collection method: clinical testing. Allele origin: germline.
Comment: This sequence change replaces lysine, which is basic and polar, with glutamic acid, which is acidic and polar, at codon 366 of the WRN protein (p.Lys366Glu). This variant is not present in population databases (gnomAD no frequency). This variant has not been reported in the literature in individuals affected with WRN-related conditions. ClinVar contains an entry for this variant (Variation ID: 1525631). Algorithms developed to predict the effect of missense changes on protein structure and function output the following: SIFT: "Not Available"; PolyPhen-2: "Benign"; Align-GVGD: "Not Available". The glutamic acid amino acid residue is found in multiple mammalian species, which suggests that this missense change does not adversely affect protein function. In summary, the available evidence is currently insufficient to determine the role of this variant in disease. Therefore, it has been classified as a Variant of Uncertain Significance.